The following is an entry in ClinVar:

ClinVar aggregate classification (germline): Pathogenic/Likely pathogenic. Review status: criteria provided, multiple submitters, no conflicts (2 of 4 stars). 2 submissions from 2 submitters: Pathogenic (1); Likely pathogenic (1). Last evaluated 2023-02-23.

Conditions:
Oculocerebrofacial syndrome, Kaufman type. Also called: Blepharophimosis-ptosis-intellectual disability syndrome. Identifiers: Orphanet 2707, MedGen C1855663, MONDO:0009485, OMIM 244450.
UBE3B-related disorder. Also called: UBE3B-related condition.

Submissions (2):

3billion
Classification: Likely pathogenic for Oculocerebrofacial syndrome, Kaufman type. Last evaluated: 2023-02-23. Review status: criteria provided, single submitter. Criteria: ACMG Guidelines, 2015. Collection method: clinical testing. Allele origin: unknown. Affected: yes.
Comment: The variant is not observed in the gnomAD v2.1.1 dataset. This variant was predicted to alter splicing and result in a loss or disruption of normal protein function. Multiple pathogenic loss-of-function variants are reported downstream of the variant. Therefore, this variant is classified as Likely pathogenic according to the recommendation of ACMG/AMP guideline.

Blueprint Genetics
Classification: Pathogenic for UBE3B-related disorders. Last evaluated: 2022-10-10. Review status: criteria provided, single submitter. Criteria: ACMG Guidelines, 2015. Collection method: clinical testing. Allele origin: germline. Affected: yes. Observed: 2 variant alleles.

NM_130466.4(UBE3B):c.2569-1G>C

Gene: UBE3B (ubiquitin protein ligase E3B; plus strand). Cytogenetic location: 12q24.11.
Variant type: single nucleotide variant.
Coding change: c.2569-1G>C on transcript NM_130466.4 (MANE Select); the canonical splice acceptor site of the intron before coding-DNA position 2569, G replaced by C.
Molecular consequence: splice acceptor variant.
Genome position (GRCh38, 1-based): chr12:109,526,357, G>C. VCF-style: chr12-109526357-G-C. GRCh37 (hg19) VCF-style: chr12-109964162-G-C.
Other names: c.2569-1G>C (NM_183415.3).
Identifiers: ClinVar variation 2444040 (VCV002444040.2), dbSNP rs989411551, ClinGen allele CA243440675.